The following is an entry in ClinVar:

ClinVar aggregate classification (germline): Uncertain significance (1 of 4 stars; one submission).

Submission:

GeneDx
Classification: Uncertain significance. Last evaluated: 2019-06-05. Review status: criteria provided, single submitter. Criteria: GeneDx Variant Classification Process June 2021. Collection method: clinical testing. Allele origin: germline. Affected: yes.
Comment: Has not been previously published as pathogenic or benign to our knowledge; Not observed in large population cohorts (Lek et al., 2016); In silico analysis, which includes protein predictors and evolutionary conservation, supports a deleterious effect

NM_001458.5(FLNC):c.4739A>T (p.Asp1580Val)

Gene: FLNC (filamin C; plus strand). Cytogenetic location: 7q32.1.
Variant type: single nucleotide variant.
Coding change: c.4739A>T on transcript NM_001458.5 (MANE Select); coding-DNA position 4739, A replaced by T.
Protein change: p.Asp1580Val; replaces aspartic acid 1580 with valine.
Molecular consequence: missense variant.
Genome position (GRCh38, 1-based): chr7:128,848,794, A>T. VCF-style: chr7-128848794-A-T. GRCh37 (hg19) VCF-style: chr7-128488848-A-T.
Other names: c.4739A>T, p.Asp1580Val (NM_001127487.2); short protein forms D1580V.
Identifiers: ClinVar variation 1306325 (VCV001306325.2), dbSNP rs2643766, ClinGen allele CA369202872.